The following is an entry in ClinVar:

NM_015909.4(NBAS):c.501del (p.Phe167fs)

Gene: NBAS (NBAS subunit of NRZ tethering complex; minus strand). Cytogenetic location: 2p24.3.
Variant type: Deletion.
Coding change: c.501del on transcript NM_015909.4 (MANE Select); coding-DNA position 501, one base deleted (T; older notation c.501delT).
Protein change: p.Phe167fs; shifts the reading frame from phenylalanine 167.
Molecular consequence: frameshift variant. On other transcripts: non-coding transcript variant (1).
Genome position (GRCh38, 1-based): chr2:15,539,235, A deleted on the plus strand (T on the coding strand, the reverse complement: NBAS is on the minus strand); the first of 3 consecutive A bases (chr2:15,539,235-15,539,237); deleting any one gives the same sequence. VCF-style (leftmost placement, unchanged base first): chr2-15539234-CA-C. GRCh37 (hg19) VCF-style: chr2-15679358-CA-C.
Other names: c.501delT (NM_015909.4); short protein forms F167fs.
Identifiers: ClinVar variation 4880277 (VCV004880277.2).

ClinVar aggregate classification (germline): Pathogenic/Likely pathogenic. Review status: criteria provided, multiple submitters, no conflicts (2 of 4 stars). 2 submissions from 2 submitters: Pathogenic (1); Likely pathogenic (1). Last evaluated 2026-08-06.

Conditions:
Infantile liver failure syndrome 2 (ILFS2). Identifiers: MedGen C3809651, MONDO:0014659, OMIM 616483.
Short stature-optic atrophy-Pelger-Huët anomaly syndrome. Also called: Short stature-optic atrophy-Pelger-HuC+t anomaly syndrome; Short stature, optic nerve atrophy, and Pelger-Huet anomaly. Identifiers: Orphanet 391677, MedGen C3541319, MONDO:0013889, OMIM 614800.
NBAS-related disorder. Also called: NBAS-related condition.

Submissions (2):

Life Science Institute, Zhejiang University
Classification: Pathogenic for NBAS-related disorder. Last evaluated: 2026-08-06. Review status: criteria provided, single submitter. Criteria: ACMG Guidelines, 2015. Collection method: research. Allele origin: germline. Inheritance: Autosomal recessive inheritance. Affected: yes. Observed: 1 variant allele, 1 compound heterozygote.
Comment: The NM_015909.4(NBAS):c.501delT variant is a frameshift variant predicted to result in p.Phe167LeufsTer10 and loss of NBAS function, which is an established disease mechanism for autosomal recessive NBAS-related disorder. This variant was identified in two affected siblings (P3 and P4) in trans with NM_015909.4(NBAS):c.5139-5T>G, with c.501delT inherited from the father and c.5139-5T>G inherited from the mother, consistent with autosomal recessive inheritance. The variant was extremely rare in population databases evaluated in the study, with a very low allele frequency in gnomAD and absence from ChinaMAP and Kaviar. The affected individuals showed clinical features compatible with NBAS-related disease. Based on the predicted loss-of-function frameshift effect, rarity in population databases, confirmed occurrence in trans with another NBAS disease-associated variant in affected siblings, and compatible clinical phenotypes, this variant was classified as pathogenic according to ACMG/AMP criteria.

Juno Genomics, Hangzhou Juno Genomics, Inc
Classification: Likely pathogenic for Infantile liver failure syndrome 2; Short stature-optic atrophy-Pelger-Huët anomaly syndrome. Review status: criteria provided, single submitter. Criteria: ACMG Guidelines, 2015. Collection method: clinical testing. Allele origin: germline.
Comment: Absent from controls (or at extremely low frequency if recessive) in Genome Aggregation Database.;Null variant in a gene where loss of function (LOF) is a known mechanism of disease.